The following is an entry in ClinVar:

ClinVar aggregate classification (germline): Pathogenic. Review status: criteria provided, single submitter (1 of 4 stars). 2 submissions from 2 submitters: Pathogenic (1). 1 of the submissions does not count toward it. Last evaluated 2024-12-26.

Conditions:
Axon pathfinding, cardiac, ocular and genital defects.
Corpus callosum, agenesis of. Also called: Corpus callosum agenesis; Mental retardation hypoplastic corpus callosum preauricular tag; Da silva syndrome; Isolated corpus callosum agenesis; Agenesis of the corpus callosum. Identifiers: Orphanet 200, MedGen C0175754, MONDO:0009022, OMIM 217990, HP:0001274.

Submissions (2):

GeneDx
Classification: Pathogenic. Last evaluated: 2024-12-26. Review status: criteria provided, single submitter. Criteria: GeneDx Variant Classification Process June 2021. Collection method: clinical testing. Allele origin: germline. Affected: yes.
Comment: Published functional studies demonstrate p.(C613W) reduces cell adhesion by affecting both self-binding and trans-binding with N-cadherin (PMID: 31585109); In silico analysis supports that this missense variant has a deleterious effect on protein structure/function; Not observed at significant frequency in large population cohorts (gnomAD); This variant is associated with the following publications: (PMID: 31585109)

Core Molecular Diagnostic Lab, McGill University Health Centre
Classification: Pathogenic for Agenesis of corpus callosum; Axon pathfinding, cardiac, ocular and genital defects. Last evaluated: 2019-09-04. Review status: no assertion criteria provided. Criteria: ACMG Guidelines, 2015. Collection method: research. Allele origin: de novo. Affected: yes. Not counted in ClinVar's aggregate classification.

NM_001792.5(CDH2):c.1839C>G (p.Cys613Trp)

Gene: CDH2 (cadherin 2; minus strand). Cytogenetic location: 18q12.1.
Variant type: single nucleotide variant.
Coding change: c.1839C>G on transcript NM_001792.5 (MANE Select); coding-DNA position 1839, C replaced by G.
Protein change: p.Cys613Trp; replaces cysteine 613 with tryptophan.
Molecular consequence: missense variant.
Genome position (GRCh38, 1-based): chr18:27,985,664, G>C on the plus strand (C>G on the coding strand, the complement: CDH2 is on the minus strand). VCF-style: chr18-27985664-G-C. GRCh37 (hg19) VCF-style: chr18-25565628-G-C.
Other names: c.1746C>G, p.Cys582Trp (NM_001308176.2); c.1839C>G (NM_001792.4); short protein forms C582W, C613W.
Identifiers: ClinVar variation 805762 (VCV000805762.3), dbSNP rs754880999, ClinGen allele CA402107453.